The following is an entry in ClinVar:

NM_000531.6(OTC):c.77+3_77+6del

Gene: OTC (ornithine transcarbamylase; plus strand). Cytogenetic location: Xp11.4.
Variant type: Deletion.
Coding change: c.77+3_77+6del on transcript NM_000531.6 (MANE Select); bases 3 to 6 of the intron after coding-DNA position 77, 4 bases deleted (AAGT; older notation c.77+3_77+6delAAGT).
Molecular consequence: splice donor variant.
Genome position (GRCh38, 1-based): chrX:38,352,776-38,352,779, AAGT deleted; deleting any 4 consecutive bases within chrX:38,352,774-38,352,779 gives the same sequence; the c. name uses the placement nearest the transcript's 3' end. VCF-style (leftmost placement, unchanged base first): chrX-38352773-GGTAA-G. GRCh37 (hg19) VCF-style: chrX-38212026-GGTAA-G.
Other names: c.77+3_77+6delAAGT (NM_000531.5).
Identifiers: ClinVar variation 97315 (VCV000097315.2), dbSNP rs72558496, ClinGen allele CA224775.

ClinVar aggregate classification (germline): Pathogenic (0 of 4 stars; one submission).

Submission:

GenMed Metabolism Lab
Classification: Pathogenic. Review status: no assertion criteria provided. Collection method: not provided. Allele origin: unknown.
ClinVar note: Converted during submission from pathogenic to Pathogenic.